The following is an entry in ClinVar:

ClinVar aggregate classification (germline): Pathogenic/Likely pathogenic. Review status: criteria provided, multiple submitters, no conflicts (2 of 4 stars). 3 submissions from 3 submitters: Pathogenic (2); Likely pathogenic (1). Last evaluated 2026-01-16.

Conditions:
Cutis laxa with severe pulmonary, gastrointestinal and urinary anomalies. Also called: Cutis laxa, autosomal recessive, type IC; URBAN-RIFKIN-DAVIS SYNDROME; LTBP4-Related Cutis Laxa. Identifiers: Orphanet 221145, MedGen C2750804, MONDO:0013170, OMIM 613177. Disease mechanism: loss of function.

Allele frequency attached by ClinVar (database versions not stated): TOPMed 0.00008; gnomAD exomes 0.00011 and 0.00014; gnomAD 0.00009 and 0.00010; ESP Exome Variant Server 0.00012; ExAC 0.00034.

Submissions (3):

Labcorp Genetics (formerly Invitae), Labcorp
Classification: Pathogenic. Last evaluated: 2026-01-16. Review status: criteria provided, single submitter. Criteria: Invitae Variant Classification Sherloc (09022015). Collection method: clinical testing. Allele origin: germline.
Comment: This sequence change creates a premature translational stop signal (p.Leu85Argfs*15) in the LTBP4 gene. It is expected to result in an absent or disrupted protein product. Loss-of-function variants in LTBP4 are known to be pathogenic (PMID: 19836010, 22829427). This variant is present in population databases (rs747013505, gnomAD 0.02%). This variant has not been reported in the literature in individuals affected with LTBP4-related conditions. ClinVar contains an entry for this variant (Variation ID: 189236). For these reasons, this variant has been classified as Pathogenic.

GeneDx
Classification: Likely pathogenic. Last evaluated: 2024-03-20. Review status: criteria provided, single submitter. Criteria: GeneDx Variant Classification Process June 2021. Collection method: clinical testing. Allele origin: germline. Affected: yes.
Comment: Has not been previously published as pathogenic or benign in association with a LTBP4-related disorder to our knowledge; Frameshift variant predicted to result in protein truncation or nonsense mediated decay in a gene for which loss of function is a known mechanism of disease; This variant is associated with the following publications: (PMID: 25714468, 28654958, 30487145, 29565423, 29030401, 31256874, 31589614)

Laboratory for Molecular Medicine, Mass General Brigham Personalized Medicine
Classification: Pathogenic for Cutis laxa, autosomal recessive, type IC. Last evaluated: 2014-01-17. Review status: criteria provided, single submitter. Criteria: LMM Criteria. Collection method: clinical testing. Allele origin: germline. Inheritance: Autosomal recessive inheritance. Observed: 1 variant allele. Study: CSER-MedSeq.
Comment: The Leu85ArgfsX15 variant in LTBP4 has not been previously reported in individuals with autosomal recessive cutis laxa type I, but has been identified in 1/5840 of European American chromosomes by the NHLBI Exome Sequencing Project. Although this variant has been seen in the general population, its frequency is low enough to be consistent with a recessive carrier frequency. This frameshift variant is predicted to alter the protein’s amino acid sequence beginning at position 85 and lead to a premature termination codon 15 amino acids downstream. This alteration is then predicted to lead to a truncated or absent protein. Loss of LTBP4 function has previously been desribed in homozygous and compound heterozygous individuals with autosomal recessive cutis laxa type IC (Urban 2009, Callewaert 2013). In summary, this variant meets our criteria to be classified as pathogenic for autosomal recessive cutis laxa type IC.

Literature cited by the submitters: PubMed 19836010 (cited by Labcorp Genetics (formerly Invitae), Labcorp and Laboratory for Molecular Medicine, Mass General Brigham Personalized Medicine); PubMed 22829427 (cited by Labcorp Genetics (formerly Invitae), Labcorp and Laboratory for Molecular Medicine, Mass General Brigham Personalized Medicine).

NM_003573.2(LTBP4):c.254del (p.Leu85fs)

Gene: LTBP4 (latent transforming growth factor beta binding protein 4; plus strand). Cytogenetic location: 19q13.2.
Variant type: Deletion.
Coding change: c.254del on transcript NM_003573.2; coding-DNA position 254, one base deleted (T; older notation c.254delT).
Protein change: p.Leu85fs; shifts the reading frame from leucine 85.
Molecular consequence: frameshift variant.
Genome position (GRCh38, 1-based): chr19:40,600,091, T deleted. VCF-style (leftmost placement, unchanged base first): chr19-40600090-CT-C. GRCh37 (hg19) VCF-style: chr19-41105996-CT-C.
Other names: c.254delT (NM_003573.2); c.365del, p.Leu122fs (NM_001042544.1); short protein forms L122fs, L85fs.
Identifiers: ClinVar variation 189236 (VCV000189236.16), dbSNP rs747013505, ClinGen allele CA199166.